The following is an entry in ClinVar:

NM_002637.4(PHKA1):c.2416G>C (p.Val806Leu)

Gene: PHKA1 (phosphorylase kinase regulatory subunit alpha 1; minus strand). Cytogenetic location: Xq13.1.
Variant type: single nucleotide variant.
Coding change: c.2416G>C on transcript NM_002637.4 (MANE Select); coding-DNA position 2416, G replaced by C.
Protein change: p.Val806Leu; replaces valine 806 with leucine.
Molecular consequence: missense variant.
Genome position (GRCh38, 1-based): chrX:72,611,138, C>G on the plus strand (G>C on the coding strand, the complement: PHKA1 is on the minus strand). VCF-style: chrX-72611138-C-G. GRCh37 (hg19) VCF-style: chrX-71830988-C-G.
Other names: c.2416G>C, p.Val806Leu (NM_001122670.2); c.2239G>C, p.Val747Leu (NM_001172436.2); short protein forms V747L, V806L.
Identifiers: ClinVar variation 2782649 (VCV002782649.3), dbSNP rs782457505, ClinGen allele CA413590219.

ClinVar aggregate classification (germline): Uncertain significance (1 of 4 stars; one submission).

Conditions:
Glycogen storage disease IXd (GSD9D). Also called: GSD IXd; Muscle Phosphorylase Kinase Deficiency. Identifiers: Orphanet 715, MedGen C1845151, MONDO:0010362, OMIM 300559.

Submission:

Labcorp Genetics (formerly Invitae), Labcorp
Classification: Uncertain significance for Glycogen storage disease IXd. Last evaluated: 2023-07-08. Review status: criteria provided, single submitter. Criteria: Invitae Variant Classification Sherloc (09022015). Collection method: clinical testing. Allele origin: germline.
Comment: This sequence change replaces valine, which is neutral and non-polar, with leucine, which is neutral and non-polar, at codon 806 of the PHKA1 protein (p.Val806Leu). In summary, the available evidence is currently insufficient to determine the role of this variant in disease. Therefore, it has been classified as a Variant of Uncertain Significance. Advanced modeling of protein sequence and biophysical properties (such as structural, functional, and spatial information, amino acid conservation, physicochemical variation, residue mobility, and thermodynamic stability) has been performed at Invitae for this missense variant, however the output from this modeling did not meet the statistical confidence thresholds required to predict the impact of this variant on PHKA1 protein function. This variant has not been reported in the literature in individuals affected with PHKA1-related conditions. This variant is not present in population databases (gnomAD no frequency).